The following is an entry in ClinVar:

ClinVar aggregate classification (germline): Uncertain significance. Review status: criteria provided, multiple submitters, no conflicts (2 of 4 stars). 8 submissions from 8 submitters: Uncertain significance (8). Last evaluated 2026-05-08.

Conditions:
Inborn genetic diseases. Identifiers: MedGen C0950123, MeSH D030342.
Cohen syndrome (COH1). Also called: Cutis verticis gyrata, retinitis pigmentosa, and sensorineural deafness; PEPPER SYNDROME. Identifiers: Orphanet 193, MedGen C0265223, MONDO:0008999, OMIM 216550.
VPS13B-related disorder. Also called: VPS13B-related condition.

Allele frequency attached by ClinVar (database versions not stated): gnomAD 0.00001 and 0.00002; gnomAD exomes 0.00004 and 0.00009; TOPMed 0.00005; ExAC 0.00008.
gnomAD v4.1: 59 of 1,613,878 alleles (0.0037%); highest among the groups gnomAD compares: South Asian, 0.047%; no homozygotes.

Submissions (8):

PreventionGenetics, part of Exact Sciences
Classification: Uncertain significance for VPS13B-related condition. Last evaluated: 2026-05-08. Review status: criteria provided, single submitter. Criteria: ACMG Guidelines, 2015. Collection method: clinical testing. Allele origin: germline.
Comment: The VPS13B c.9784G>A variant is predicted to result in the amino acid substitution p.Glu3262Lys. To our knowledge, this variant has not been reported in the literature. This variant is reported in 0.069% of alleles in individuals of South Asian descent in gnomAD. Although we suspect that this variant may be benign, at this time, the clinical significance of this variant is uncertain due to the absence of conclusive functional and genetic evidence.

Ambry Genetics
Classification: Uncertain significance for Inborn genetic diseases. Last evaluated: 2025-10-24. Review status: criteria provided, single submitter. Criteria: Ambry Variant Classification Scheme 2023. Collection method: clinical testing. Allele origin: germline.

CeGaT Center for Human Genetics Tuebingen
Classification: Uncertain significance. Last evaluated: 2025-02-01. Review status: criteria provided, single submitter. Criteria: CeGaT Center For Human Genetics Tuebingen Variant Classification Criteria Version 2. Collection method: clinical testing. Allele origin: germline. Affected: yes. Observed: 2 variant alleles.
Comment: VPS13B: PM2

Blueprint Genetics
Classification: Uncertain significance. Last evaluated: 2022-11-06. Review status: criteria provided, single submitter. Criteria: ACMG Guidelines, 2015. Collection method: clinical testing. Allele origin: germline.

GeneDx
Classification: Uncertain significance. Last evaluated: 2022-08-31. Review status: criteria provided, single submitter. Criteria: GeneDx Variant Classification Process June 2021. Collection method: clinical testing. Allele origin: germline. Affected: yes.
Comment: In silico analysis supports that this missense variant does not alter protein structure/function; Has not been previously published as pathogenic or benign to our knowledge

Labcorp Genetics (formerly Invitae), Labcorp
Classification: Uncertain significance for Cohen syndrome. Last evaluated: 2022-01-14. Review status: criteria provided, single submitter. Criteria: Invitae Variant Classification Sherloc (09022015). Collection method: clinical testing. Allele origin: germline.
Comment: This sequence change replaces glutamic acid, which is acidic and polar, with lysine, which is basic and polar, at codon 3287 of the VPS13B protein (p.Glu3287Lys). This variant is present in population databases (rs756531043, gnomAD 0.07%). This variant has not been reported in the literature in individuals affected with VPS13B-related conditions. ClinVar contains an entry for this variant (Variation ID: 361084). Algorithms developed to predict the effect of missense changes on protein structure and function are either unavailable or do not agree on the potential impact of this missense change (SIFT: "Not Available"; PolyPhen-2: "Benign"; Align-GVGD: "Not Available"). In summary, the available evidence is currently insufficient to determine the role of this variant in disease. Therefore, it has been classified as a Variant of Uncertain Significance.

Genetic Services Laboratory, University of Chicago
Classification: Uncertain significance. Last evaluated: 2019-08-21. Review status: criteria provided, single submitter. Criteria: ACMG Guidelines, 2015. Collection method: clinical testing. Allele origin: germline. Affected: no.

Illumina Laboratory Services, Illumina
Classification: Uncertain significance for Cohen syndrome. Last evaluated: 2018-01-13. Review status: criteria provided, single submitter. Criteria: ICSL Variant Classification Criteria 13 December 2019. Collection method: clinical testing. Allele origin: germline.

NM_152564.5(VPS13B):c.9784G>A (p.Glu3262Lys)

Gene: VPS13B (vacuolar protein sorting 13 homolog B; plus strand). Cytogenetic location: 8q22.2.
Variant type: single nucleotide variant.
Coding change: c.9784G>A on transcript NM_152564.5 (MANE Select); coding-DNA position 9784, G replaced by A.
Protein change: p.Glu3262Lys; replaces glutamic acid 3262 with lysine.
Molecular consequence: missense variant.
Genome position (GRCh38, 1-based): chr8:99,835,580, G>A. VCF-style: chr8-99835580-G-A. GRCh37 (hg19) VCF-style: chr8-100847808-G-A.
Other names: c.9859G>A, p.Glu3287Lys (NM_017890.5); c.9784G>A (NM_152564.4); c.9859G>A (NM_017890.3); short protein forms E3262K, E3287K.
Identifiers: ClinVar variation 361084 (VCV000361084.26), dbSNP rs756531043, ClinGen allele CA4824803.